The following is an entry in ClinVar:

ClinVar aggregate classification (germline): Uncertain significance. Review status: criteria provided, multiple submitters, no conflicts (2 of 4 stars). 2 submissions from 2 submitters: Uncertain significance (2). Last evaluated 2025-11-15.

Allele frequency attached by ClinVar (database versions not stated): gnomAD 0.00001; gnomAD exomes below 0.00001; TOPMed 0.00001.
gnomAD v4.1: 7 of 1,614,126 alleles (0.00043%); highest among the groups gnomAD compares: Non-Finnish European, 0.00059%; no homozygotes.

Submissions (2):

Labcorp Genetics (formerly Invitae), Labcorp
Classification: Uncertain significance. Last evaluated: 2025-11-15. Review status: criteria provided, single submitter. Criteria: Invitae Variant Classification Sherloc (09022015). Collection method: clinical testing. Allele origin: germline.
Comment: This sequence change replaces proline, which is neutral and non-polar, with leucine, which is neutral and non-polar, at codon 70 of the TWNK protein (p.Pro70Leu). This variant is not present in population databases (gnomAD no frequency). This variant has not been reported in the literature in individuals affected with TWNK-related conditions. ClinVar contains an entry for this variant (Variation ID: 2506045). Invitae Evidence Modeling of protein sequence and biophysical properties (such as structural, functional, and spatial information, amino acid conservation, physicochemical variation, residue mobility, and thermodynamic stability) indicates that this missense variant is expected to disrupt TWNK protein function with a positive predictive value of 80%. In summary, the available evidence is currently insufficient to determine the role of this variant in disease. Therefore, it has been classified as a Variant of Uncertain Significance.

Women's Health and Genetics/Laboratory Corporation of America, LabCorp
Classification: Uncertain significance. Last evaluated: 2023-05-11. Review status: criteria provided, single submitter. Criteria: LabCorp Variant Classification Summary - May 2015. Collection method: clinical testing. Allele origin: germline.
Comment: Variant summary: C10orf2 c.209C>T (p.Pro70Leu) results in a non-conservative amino acid change in the encoded protein sequence. Four of five in-silico tools predict a damaging effect of the variant on protein function. The variant was absent in 251448 control chromosomes (gnomAD). The available data on variant occurrences in the general population are insufficient to allow any conclusion about variant significance. To our knowledge, no occurrence of c.209C>T in individuals affected with Progressive External Ophthalmoplegia With Mitochondrial DNA Deletions, Autosomal Dominant 3 and no experimental evidence demonstrating its impact on protein function have been reported. No clinical diagnostic laboratories have submitted clinical-significance assessments for this variant to ClinVar after 2014. Based on the evidence outlined above, the variant was classified as uncertain significance.

NM_021830.5(TWNK):c.209C>T (p.Pro70Leu)

Gene: TWNK (twinkle mtDNA helicase; plus strand). Cytogenetic location: 10q24.31.
Variant type: single nucleotide variant.
Coding change: c.209C>T on transcript NM_021830.5 (MANE Select); coding-DNA position 209, C replaced by T.
Protein change: p.Pro70Leu; replaces proline 70 with leucine.
Molecular consequence: missense variant. On other transcripts: non-coding transcript variant (4), intron variant (3).
Genome position (GRCh38, 1-based): chr10:100,988,419, C>T. VCF-style: chr10-100988419-C-T. GRCh37 (hg19) VCF-style: chr10-102748176-C-T.
Other names: c.209C>T, p.Pro70Leu (NM_001163812.2); c.-120+806C>T (NM_001163814.2, NM_001163813.2); c.-58+806C>T (NM_001368275.1); short protein forms P70L.
Identifiers: ClinVar variation 2506045 (VCV002506045.3), dbSNP rs1191234637, ClinGen allele CA378206326.
Genomic context (GRCh38, chr10:100,988,419, plus strand): 5'-TGCCAGTGTTGCCTGTAACTGCAACTGAAATCCGCCAGTATTTGCGGGGGCATGGGATCC[C>T]CTTCCAGGATGGTCACAGTTGCCTGCGGGCACTGAGCCCCTTTGCAGAGTCTTCACAGCT-3'
Protein context (NP_068602.2, residues 60-80): IRQYLRGHGI[Pro70Leu]FQDGHSCLRA